The following is an entry in ClinVar:

ClinVar aggregate classification (germline): Pathogenic/Likely pathogenic. Review status: criteria provided, multiple submitters, no conflicts (2 of 4 stars). 3 submissions from 3 submitters: Pathogenic (2); Likely pathogenic (1). Last evaluated 2024-07-03.

Conditions:
Bilateral frontoparietal polymicrogyria. Also called: CORTICAL DYSPLASIA, COMPLEX, WITH OTHER BRAIN MALFORMATIONS 14A (BILATERAL FRONTOPARIETAL); CEREBELLAR ATAXIA WITH NEURONAL MIGRATION DEFECT. Identifiers: Orphanet 101070, MedGen C1847352, MONDO:0011738, OMIM 606854.
Polymicrogyria, bilateral perisylvian, autosomal recessive (CDCBM14B). Also called: CORTICAL DYSPLASIA, COMPLEX, WITH OTHER BRAIN MALFORMATIONS 14B (BILATERAL PERISYLVIAN). Identifiers: MedGen C3810405, MONDO:0014333, OMIM 615752.

Submissions (3):

Natera, Inc.
Classification: Pathogenic for Bilateral frontoparietal polymicrogyria. Last evaluated: 2024-07-03. Review status: criteria provided, single submitter. Criteria: Natera Variant Classification Schema (03/2026). Collection method: clinical testing. Allele origin: germline.
Comment: The c.215delC variant in ADGRG1 is a frameshift variant predicted to shift the reading frame beginning at codon 72 and leads to a stop codon 41 codons downstream. This variant is expected to result in nonsense mediated decay, truncation, or a dysfunctional protein product. This variant is rare in the general population with a frequency below the threshold expected for the associated phenotype(s). This variant has been observed in one or more individuals affected with the associated recessive disease, as either homozygous or compound heterozygous with a second variant (PMID: 35097086). Given the available evidence, this variant is classified as Pathogenic.

Labcorp Genetics (formerly Invitae), Labcorp
Classification: Pathogenic. Last evaluated: 2024-03-27. Review status: criteria provided, single submitter. Criteria: Invitae Variant Classification Sherloc (09022015). Collection method: clinical testing. Allele origin: germline.
Comment: This sequence change creates a premature translational stop signal (p.Pro72Leufs*41) in the ADGRG1 gene. It is expected to result in an absent or disrupted protein product. Loss-of-function variants in ADGRG1 are known to be pathogenic (PMID: 15044805, 20929962). This variant is not present in population databases (gnomAD no frequency). This variant has not been reported in the literature in individuals affected with ADGRG1-related conditions. ClinVar contains an entry for this variant (Variation ID: 934237). For these reasons, this variant has been classified as Pathogenic.

Fulgent Genetics
Classification: Likely pathogenic for Bilateral frontoparietal polymicrogyria; Polymicrogyria, bilateral perisylvian, autosomal recessive. Last evaluated: 2021-08-24. Review status: criteria provided, single submitter. Criteria: ACMG Guidelines, 2015. Collection method: clinical testing. Allele origin: unknown.

Literature cited by the submitters: PubMed 35097086 (cited by Natera, Inc.); PubMed 15044805 (cited by Labcorp Genetics (formerly Invitae), Labcorp); PubMed 20929962 (cited by Labcorp Genetics (formerly Invitae), Labcorp).

NM_201525.4(ADGRG1):c.215del (p.Pro72fs)

Gene: ADGRG1 (adhesion G protein-coupled receptor G1; plus strand). Cytogenetic location: 16q21.
Variant type: Deletion.
Coding change: c.215del on transcript NM_201525.4 (MANE Select); coding-DNA position 215, one base deleted (C; older notation c.215delC).
Protein change: p.Pro72fs; shifts the reading frame from proline 72.
Molecular consequence: frameshift variant. On other transcripts: 5 prime UTR variant (5), intron variant (2).
Genome position (GRCh38, 1-based): chr16:57,651,350, C deleted; the last of 3 consecutive C bases (chr16:57,651,348-57,651,350); deleting any one gives the same sequence. VCF-style (leftmost placement, unchanged base first): chr16-57651347-TC-T. GRCh37 (hg19) VCF-style: chr16-57685259-TC-T.
Other names: c.215del, p.Pro72fs (NM_001145770.3, NM_001145771.3, NM_001145772.3 and 16 more transcripts); c.230del, p.Pro77fs (NM_001145773.3, NM_001370433.1); c.-311del (NM_001290143.2, NM_001290144.2, NM_001370451.1 and 2 more transcripts); c.110+105del (NM_001290142.2); c.65-6del (NM_001370442.1); c.215delC (NM_005682.6); short protein forms P72fs, P77fs.
Identifiers: ClinVar variation 934237 (VCV000934237.10), dbSNP rs2044043566, ClinGen allele CA1139664723.